The following is an entry in ClinVar:

ClinVar aggregate classification (germline): Uncertain significance (1 of 4 stars; one submission).

Submission:

Ambry Genetics
Classification: Uncertain significance. Last evaluated: 2025-11-25. Review status: criteria provided, single submitter. Criteria: Ambry Variant Classification Scheme 2023. Collection method: clinical testing. Allele origin: germline.
Comment: The c.3465+5G>A intronic variant results from a G to A substitution 5 nucleotides after coding exon 3 in the MLH3 gene. This nucleotide position is highly conserved in available vertebrate species. In silico splice site analysis predicts that this alteration will weaken the native splice donor site. The evidence for this gene-disease relationship is limited; therefore, the clinical significance of this alteration is unclear.

NM_001040108.2(MLH3):c.3465+5G>A

Gene: MLH3 (mutL homolog 3; minus strand). Cytogenetic location: 14q24.3.
Variant type: single nucleotide variant.
Coding change: c.3465+5G>A on transcript NM_001040108.2 (MANE Select); 5 bases into the intron after coding-DNA position 3465, G replaced by A.
Molecular consequence: intron variant.
Genome position (GRCh38, 1-based): chr14:75,041,610, C>T on the plus strand (G>A on the coding strand, the complement: MLH3 is on the minus strand). VCF-style: chr14-75041610-C-T. GRCh37 (hg19) VCF-style: chr14-75508313-C-T.
Other names: c.3465+5G>A (NM_014381.3).
Identifiers: ClinVar variation 4552050 (VCV004552050.1).
Genomic context (GRCh38, chr14:75,041,610, plus strand): 5'-AAATTTAAAAAATAAGAAGAAGAAGAAGAAAAAAAAAAGGCAAAGAAAAACTGCTACAGA[C>T]CCACCTCTGGATAACGGGCAAATACTGGATTGTCCCATTCTGAGAACAAAGACTGAAGCG-3'